The following is an entry in ClinVar:

NM_006371.5(CRTAP):c.516A>G (p.Leu172=)

Gene: CRTAP (cartilage associated protein; plus strand). Cytogenetic location: 3p22.3.
Variant type: single nucleotide variant.
Coding change: c.516A>G on transcript NM_006371.5 (MANE Select); coding-DNA position 516, A replaced by G.
Protein change: p.Leu172=; no amino-acid change (leucine 172 retained).
Molecular consequence: synonymous variant. On other transcripts: intron variant (1).
Genome position (GRCh38, 1-based): chr3:33,120,388, A>G. VCF-style: chr3-33120388-A-G. GRCh37 (hg19) VCF-style: chr3-33161880-A-G.
Other names: c.516A>G, p.Leu172= (NM_001393363.1, NM_001393364.1); c.472-4020A>G (NM_001393365.1).
Identifiers: ClinVar variation 388145 (VCV000388145.5), dbSNP rs372425538, ClinGen allele CA2300302.
Genomic context (GRCh38, chr3:33,120,388, plus strand): 5'-TTCTTTGTCCTTTTAGGCAAATAATCTCCCCAAAGCCATCGCCGCTGCTCACACCTTTCT[A>G]CTGAAGCATCCTGATGACGAAATGATGAAGAGGAACATGGCATATTATAAGAGCCTGCCT-3'
Protein context (NP_006362.1, residues 162-182): PKAIAAAHTF[Leu172=]LKHPDDEMMK

ClinVar aggregate classification (germline): Likely benign. Review status: criteria provided, multiple submitters, no conflicts (2 of 4 stars). 2 submissions from 2 submitters: Likely benign (2). Last evaluated 2025-10-06.

Conditions:
Osteogenesis imperfecta type 7 (OI7). Also called: OSTEOGENESIS IMPERFECTA, TYPE IIB; Osteogenesis imperfecta type 2B; OI type 2B; Osteogenesis imperfecta, perinatal lethal autosomal recessive; OI type IIB; OI type 7. Identifiers: MedGen C1853162, MONDO:0012536, OMIM 610682.

Allele frequency attached by ClinVar (database versions not stated): gnomAD 0.00001 and 0.00002; ExAC 0.00002; TOPMed 0.00002; ESP Exome Variant Server 0.00008.
gnomAD v4.1: 67 of 1,614,022 alleles (0.0042%); highest among the groups gnomAD compares: Non-Finnish European, 0.0056%; no homozygotes.

Submissions (2):

Labcorp Genetics (formerly Invitae), Labcorp
Classification: Likely benign for Osteogenesis imperfecta type 7. Last evaluated: 2025-10-06. Review status: criteria provided, single submitter. Criteria: Invitae Variant Classification Sherloc (09022015). Collection method: clinical testing. Allele origin: germline.

GeneDx
Classification: Likely benign. Last evaluated: 2016-07-25. Review status: criteria provided, single submitter. Criteria: GeneDx Variant Classification (06012015). Collection method: clinical testing. Allele origin: germline. Affected: yes.
Comment: This variant is considered likely benign or benign based on one or more of the following criteria: it is a conservative change, it occurs at a poorly conserved position in the protein, it is predicted to be benign by multiple in silico algorithms, and/or has population frequency not consistent with disease.